The following is an entry in ClinVar:

ClinVar aggregate classification (germline): Pathogenic/Likely pathogenic. Review status: criteria provided, multiple submitters, no conflicts (2 of 4 stars). 6 submissions from 6 submitters: Pathogenic (1); Likely pathogenic (4). 1 of the submissions does not count toward it. Last evaluated 2025-09-02.

Conditions:
Nephrogenic diabetes insipidus. Identifiers: Orphanet 223, MedGen C0162283, MONDO:0016383, HP:0009806.
Diabetes insipidus, nephrogenic, autosomal (NDI2). Also called: Diabetes insipidus, nephrogenic, 2, autosomal; Nephrogenic Diabetes Insipidus, Type II. Identifiers: Orphanet 223, MedGen C1563706, MONDO:0007451, OMIM 125800.

Allele frequency attached by ClinVar (database versions not stated): ExAC 0.00002; TOPMed below 0.00001; gnomAD exomes 0.00002 and 0.00001.
gnomAD v4.1: 4 of 1,614,022 alleles (0.00025%); highest among the groups gnomAD compares: Admixed American, 0.005%; no homozygotes.

Submissions (6):

Labcorp Genetics (formerly Invitae), Labcorp
Classification: Likely pathogenic. Last evaluated: 2025-09-02. Review status: criteria provided, single submitter. Criteria: Invitae Variant Classification Sherloc (09022015). Collection method: clinical testing. Allele origin: germline.
Comment: This sequence change replaces glycine, which is neutral and non-polar, with arginine, which is basic and polar, at codon 64 of the AQP2 protein (p.Gly64Arg). This variant is present in population databases (rs104894326, gnomAD 0.009%). This missense change has been observed in individual(s) with autosomal recessive nephrogenic diabetes insipidus (PMID: 7524315; internal data). In at least one individual the data is consistent with being in trans (on the opposite chromosome) from a pathogenic variant. ClinVar contains an entry for this variant (Variation ID: 17830). Invitae Evidence Modeling of protein sequence and biophysical properties (such as structural, functional, and spatial information, amino acid conservation, physicochemical variation, residue mobility, and thermodynamic stability) has been performed for this missense variant. However, the output from this modeling did not meet the statistical confidence thresholds required to predict the impact of this variant on AQP2 protein function. Experimental studies have shown that this missense change affects AQP2 function (PMID: 7524315, 7537761, 11374071). In summary, the currently available evidence indicates that the variant is pathogenic, but additional data are needed to prove that conclusively. Therefore, this variant has been classified as Likely Pathogenic.

Natera, Inc.
Classification: Likely pathogenic for Nephrogenic diabetes insipidus. Last evaluated: 2025-08-30. Review status: criteria provided, single submitter. Criteria: Natera Variant Classification Schema (03/2026). Collection method: clinical testing. Allele origin: germline.
Comment: The c.190G>A variant in AQP2 is a missense variant predicted to cause substitution of glycine to arginine at amino acid 64. This variant is rare in the general population with a frequency below the threshold expected for the associated phenotype(s). This variant has been observed in one or more individuals affected with the associated recessive disease, as either homozygous or compound heterozygous with a second variant (PMID: 7524315). Functional studies show that this variant may disrupt protein function (PMID: 7524315, 7537761, 11374071). Computational prediction algorithms indicate this variant is likely to affect gene or protein function. Given the available evidence, this variant is classified as Likely Pathogenic.

Fulgent Genetics
Classification: Likely pathogenic for Diabetes insipidus, nephrogenic, autosomal. Last evaluated: 2024-06-19. Review status: criteria provided, single submitter. Criteria: ACMG Guidelines, 2015. Collection method: clinical testing. Allele origin: germline.

Genomic Medicine Lab, University of California San Francisco
Classification: Pathogenic for Diabetes insipidus, nephrogenic, autosomal. Last evaluated: 2019-06-20. Review status: criteria provided, single submitter. Criteria: ACMG Guidelines, 2015. Collection method: clinical testing. Allele origin: germline. Inheritance: Autosomal recessive inheritance. Affected: yes. Study: CSER-P3EGS.

Athena Diagnostics
Classification: Likely pathogenic. Last evaluated: 2017-03-17. Review status: criteria provided, single submitter. Criteria: Athena Diagnostics Criteria. Collection method: clinical testing. Allele origin: germline.

OMIM
Classification: Pathogenic for DIABETES INSIPIDUS, NEPHROGENIC, 2, AUTOSOMAL RECESSIVE. Last evaluated: 1994-10-01. Review status: no assertion criteria provided. Collection method: literature only. Allele origin: germline. Not counted in ClinVar's aggregate classification.

Literature cited by the submitters: PubMed 7524315 (cited by 4 submitters); PubMed 7537761 (cited by 3 submitters); PubMed 11374071 (cited by 3 submitters); PubMed 8793791 (cited by Athena Diagnostics).

NM_000486.6(AQP2):c.190G>A (p.Gly64Arg)

Gene: AQP2 (aquaporin 2; plus strand). Cytogenetic location: 12q13.12.
Variant type: single nucleotide variant.
Coding change: c.190G>A on transcript NM_000486.6 (MANE Select); coding-DNA position 190, G replaced by A.
Protein change: p.Gly64Arg; replaces glycine 64 with arginine.
Molecular consequence: missense variant.
Genome position (GRCh38, 1-based): chr12:49,951,020, G>A. VCF-style: chr12-49951020-G-A. GRCh37 (hg19) VCF-style: chr12-50344803-G-A.
Other names: short protein forms G64R.
Identifiers: ClinVar variation 17830 (VCV000017830.12), dbSNP rs104894326, ClinGen allele CA127468.
Genomic context (GRCh38, chr12:49,951,020, plus strand): 5'-ATTGCCATGGCGTTTGGCTTGGGTATTGGCACCCTGGTACAGGCTCTGGGCCACATAAGC[G>A]GGGCCCACATCAACCCTGCCGTGACTGTGGCCTGCCTGGTGGGCTGCCACGTCTCCGTTC-3'
Protein context (NP_000477.1, residues 54-74): TLVQALGHIS[Gly64Arg]AHINPAVTVA